The following is an entry in ClinVar:

ClinVar aggregate classification (germline): Uncertain significance (1 of 4 stars; one submission).

Conditions:
Developmental and epileptic encephalopathy, 5 (DEE5). Identifiers: Orphanet 3451, MedGen C3150731, MONDO:0013277, OMIM 613477.

gnomAD v4.1: 1 of 1,614,144 alleles (0.000062%); no homozygotes.

Submission:

Laboratorio de Genetica e Diagnostico Molecular, Hospital Israelita Albert Einstein
Classification: Uncertain significance for Developmental and epileptic encephalopathy, 5. Last evaluated: 2025-02-27. Review status: criteria provided, single submitter. Criteria: ACMG Guidelines, 2015. Collection method: clinical testing. Allele origin: germline. Affected: yes.
Comment: ACMG classification criteria: PM2 supporting, PP2 supporting, BP4 supporting

NM_001130438.3(SPTAN1):c.5458G>A (p.Ala1820Thr)

Gene: SPTAN1 (spectrin alpha, non-erythrocytic 1; plus strand). Cytogenetic location: 9q34.11.
Variant type: single nucleotide variant.
Coding change: c.5458G>A on transcript NM_001130438.3 (MANE Select); coding-DNA position 5458, G replaced by A.
Protein change: p.Ala1820Thr; replaces alanine 1820 with threonine.
Molecular consequence: missense variant.
Genome position (GRCh38, 1-based): chr9:128,617,740, G>A. VCF-style: chr9-128617740-G-A. GRCh37 (hg19) VCF-style: chr9-131380019-G-A.
Other names: c.5458G>A, p.Ala1820Thr (NM_001375310.1, NM_001375311.2, NM_001375313.1 and 1 more transcripts); c.5494G>A, p.Ala1832Thr (NM_001375312.2, NM_001375318.1, NM_001438440.1); c.5398G>A, p.Ala1800Thr (NM_001375314.2, NM_001438442.1, NM_001363765.2); c.5383G>A, p.Ala1795Thr (NM_001438441.1, NM_001438444.1, NM_001195532.2); c.5443G>A, p.Ala1815Thr (NM_001438443.1, NM_001438445.1, NM_003127.4); short protein forms A1795T, A1800T, A1815T, A1820T, A1832T.
Identifiers: ClinVar variation 4076212 (VCV004076212.1).